The following is an entry in ClinVar:

NM_000463.3(UGT1A1):c.990T>C (p.Pro330=)

Genes: UGT1A1 (UDP glucuronosyltransferase family 1 member A1; plus strand), UGT1A10 (UDP glucuronosyltransferase family 1 member A10; plus strand), UGT1A3 (UDP glucuronosyltransferase family 1 member A3; plus strand), UGT1A6 (UDP glucuronosyltransferase family 1 member A6; plus strand), UGT1A7 (UDP glucuronosyltransferase family 1 member A7; plus strand) and 5 more. Cytogenetic location: 2q37.1.
Variant type: single nucleotide variant.
Coding change: c.990T>C on transcript NM_000463.3 (MANE Select); coding-DNA position 990, T replaced by C.
Protein change: p.Pro330=; no amino-acid change (proline 330 retained).
Molecular consequence: synonymous variant.
Genome position (GRCh38, 1-based): chr2:233,767,159, T>C. VCF-style: chr2-233767159-T-C. GRCh37 (hg19) VCF-style: chr2-234675805-T-C.
Other names: c.981T>C, p.Pro327= (NM_019075.4, NM_019076.5, NM_019077.3 and 1 more transcripts); c.987T>C, p.Pro329= (NM_001072.4); c.186T>C, p.Pro62= (NM_205862.3); c.993T>C, p.Pro331= (NM_019078.2, NM_007120.3, NM_019093.4).
Identifiers: ClinVar variation 1613852 (VCV001613852.10), dbSNP rs1291449017, ClinGen allele CA431856343.

ClinVar aggregate classification (germline): Likely benign. Review status: criteria provided, single submitter (1 of 4 stars). 2 submissions from 2 submitters: Likely benign (1). 1 of the submissions does not count toward it. Last evaluated 2022-08-16.

Conditions:
UGT1A1-related disorder. Also called: UGT1A1-related condition; UGT1A1-related disorders.

Submissions (2):

Labcorp Genetics (formerly Invitae), Labcorp
Classification: Likely benign. Last evaluated: 2022-08-16. Review status: criteria provided, single submitter. Criteria: Invitae Variant Classification Sherloc (09022015). Collection method: clinical testing. Allele origin: germline.

PreventionGenetics, part of Exact Sciences
Classification: Likely benign for UGT1A1-related condition. Last evaluated: 2022-04-14. Review status: no assertion criteria provided. Collection method: clinical testing. Allele origin: germline. Not counted in ClinVar's aggregate classification.
Comment: This variant is classified as likely benign based on ACMG/AMP sequence variant interpretation guidelines (Richards et al. 2015 PMID: 25741868, with internal and published modifications).